The following is an entry in ClinVar:

ClinVar aggregate classification (germline): Uncertain significance (1 of 4 stars; one submission).

Conditions:
Epidermolysis bullosa simplex 3, localized or generalized intermediate, with BP230 deficiency (EBS3). Also called: Epidermolysis bullosa simplex, autosomal recessive 2; Epidermolysis bullosa simplex due to BP230 deficiency. Identifiers: Orphanet 412181, MedGen C3809470, MONDO:0014180, OMIM 615425.
Hereditary sensory and autonomic neuropathy type 6. Also called: Neuropathy, hereditary sensory and autonomic, type VI; HSAN VI. Identifiers: Orphanet 314381, MedGen C3539003, MONDO:0013839, OMIM 614653.

Allele frequency attached by ClinVar (database versions not stated): gnomAD exomes below 0.00001; ExAC 0.00001.
gnomAD v4.1: 1 of 1,612,040 alleles (0.000062%); highest among the groups gnomAD compares: Non-Finnish European, 0.000085%; no homozygotes.

Submission:

Labcorp Genetics (formerly Invitae), Labcorp
Classification: Uncertain significance for Epidermolysis bullosa simplex 3, localized or generalized intermediate, with BP230 deficiency; Hereditary sensory and autonomic neuropathy type 6. Last evaluated: 2019-02-14. Review status: criteria provided, single submitter. Criteria: Invitae Variant Classification Sherloc (09022015). Collection method: clinical testing. Allele origin: germline.
Comment: In summary, the available evidence is currently insufficient to determine the role of this variant in disease. Therefore, it has been classified as a Variant of Uncertain Significance. Algorithms developed to predict the effect of missense changes on protein structure and function are either unavailable or do not agree on the potential impact of this missense change (SIFT: "Tolerated"; PolyPhen-2: "Not Available"; Align-GVGD: "Class C0"). This variant has not been reported in the literature in individuals with DST-related conditions. This variant is present in population databases (rs771859474, ExAC 0.002%). This sequence change replaces threonine with isoleucine at codon 1718 of the DST protein (p.Thr1718Ile). The threonine residue is moderately conserved and there is a moderate physicochemical difference between threonine and isoleucine. The DST gene has multiple clinically relevant transcripts. The p.Thr1718Ile variant occurs in alternate transcript NM_015548.4, which corresponds to c.*36698C>T in NM_001723.5, the primary transcript listed in the Methods.

NM_001374736.1(DST):c.13022C>T (p.Thr4341Ile)

Gene: DST (dystonin; minus strand). Cytogenetic location: 6p12.1.
Variant type: single nucleotide variant.
Coding change: c.13022C>T on transcript NM_001374736.1 (MANE Select); coding-DNA position 13022, C replaced by T.
Protein change: p.Thr4341Ile; replaces threonine 4341 with isoleucine.
Molecular consequence: missense variant.
Genome position (GRCh38, 1-based): chr6:56,578,819, G>A on the plus strand (C>T on the coding strand, the complement: DST is on the minus strand). VCF-style: chr6-56578819-G-A. GRCh37 (hg19) VCF-style: chr6-56443617-G-A.
Other names: c.6665C>T, p.Thr2222Ile (NM_001144769.5); c.6251C>T, p.Thr2084Ile (NM_001144770.2); c.13022C>T, p.Thr4341Ile (NM_001374722.1); c.12389C>T, p.Thr4130Ile (NM_001374729.1); c.6131C>T, p.Thr2044Ile (NM_001374730.1, NM_183380.4); c.13049C>T, p.Thr4350Ile (NM_001374734.1); c.5153C>T, p.Thr1718Ile (NM_015548.5); short protein forms T2044I, T2222I, T2084I, T4341I, T1718I, T4130I, T4350I.
Identifiers: ClinVar variation 964749 (VCV000964749.8), dbSNP rs771859474, ClinGen allele CA3868317.
Genomic context (GRCh38, chr6:56,578,819, plus strand): 5'-CACCTTTCTTTAGAATTTACCTGTGAGACAGGAAGCAAGGACATGAATATCTTACCAAGT[G>A]TTTTCTGGATATCATTCTTGGCTGGAAGTAAAGATCCCCTGGCATCTAAAAGCACTTCAG-3'
Protein context (NP_001361665.1, residues 4331-4351): LLPAKNDIQK[Thr4341Ile]LDDIVGRYED